The following is an entry in ClinVar:

NM_001378609.3(OTOGL):c.1351G>C (p.Ala451Pro)

Gene: OTOGL (otogelin like; plus strand). Cytogenetic location: 12q21.31.
Variant type: single nucleotide variant.
Coding change: c.1351G>C on transcript NM_001378609.3 (MANE Select); coding-DNA position 1351, G replaced by C.
Protein change: p.Ala451Pro; replaces alanine 451 with proline.
Molecular consequence: missense variant.
Genome position (GRCh38, 1-based): chr12:80,253,531, G>C. VCF-style: chr12-80253531-G-C. GRCh37 (hg19) VCF-style: chr12-80647311-G-C.
Other names: c.1351G>C, p.Ala451Pro (NM_001368062.3, NM_001378610.3, NM_173591.7); short protein forms A451P.
Identifiers: ClinVar variation 3376249 (VCV003376249.1).
Genomic context (GRCh38, chr12:80,253,531, plus strand): 5'-GTAATGGACAATGGGACTTGCATCTCCTTGGAAAATTGCCCATGCGGTTTTCATGGATTA[G>C]CTTATTCAGTTGGTTCAAAAATTGAACAAGAATGTACTGAATGGTATGTGATCAGTGTGC-3'
Protein context (NP_001365538.2, residues 441-461): ENCPCGFHGL[Ala451Pro]YSVGSKIEQE

ClinVar aggregate classification (germline): Uncertain significance (1 of 4 stars; one submission).

Conditions:
Autosomal recessive nonsyndromic hearing loss 84B. Also called: Deafness, autosomal recessive 84b. Identifiers: Orphanet 90636, MedGen C3554159, MONDO:0013984, OMIM 614944.

Submission:

Pittsburgh Clinical Genomics Laboratory, University of Pittsburgh Medical Center
Classification: Uncertain significance for Autosomal recessive nonsyndromic hearing loss 84B. Last evaluated: 2023-09-07. Review status: criteria provided, single submitter. Criteria: ACMG Guidelines, 2015. Collection method: clinical testing. Allele origin: germline. Inheritance: Autosomal recessive inheritance. Affected: yes.
Comment: This sequence variant is a single nucleotide substitution (G>C) at position 1324 of the coding sequence of the OTOGL gene that results in an alanine to proline amino acid change at residue 442 of the otogelin like protein. This residue falls in a trypsin inhibitor-like domain (UniProt). This variant is absent from ClinVar and the gnomAD population database (0 of approximately 250,000 alleles). To our knowledge, this variant has not been observed in an individual affected by an OTOGL-related disorder in the published literature. Multiple bioinformatic tools provide conflicting predictions concerning the impact of this variant. The Ala442 residue at this position is highly conserved across the vertebrate species examined. Studies examining the functiol consequence of this variant have not been published, to our knowledge. At this time, there is insufficient evidence to determine if this variant is pathogenic or benign. Therefore, we consider this a variant of uncertain significance. ACMG Criteria: BP1, PM2